The following is an entry in ClinVar:

ClinVar aggregate classification (germline): Pathogenic (1 of 4 stars; one submission).

Conditions:
Polycystic liver disease 1 (PCLD1). Also called: Polycystic liver disease 1 with or without kidney cysts. Identifiers: Orphanet 2924, MedGen C0887850, MONDO:0008265, OMIM 174050.

Submission:

Variantyx, Inc.
Classification: Pathogenic for Polycystic liver disease 1. Last evaluated: 2025-07-30. Review status: criteria provided, single submitter. Criteria: Variantyx Assertion Criteria 2022. Collection method: clinical testing. Allele origin: germline. Inheritance: Autosomal dominant inheritance. Affected: yes.
Comment: This is a canonical splicing variant in the PRKCSH gene (OMIM: 177060). Pathogenic variants in this gene have been associated with autosomal dominant polycystic liver disease 1. This splicing variant is expected to result in loss of function, which is a known disease mechanism for PRKCSH in this disorder (PMID: 20095989) (PVS1). This variant has been reported in at least one affected individual (PMID: 20095989) (PS4)., while it is absent from control populations (PM2). Based on the current evidence, this variant is classified as pathogenic for autosomal dominant polycystic liver disease 1.

Literature cited by the submitters: PubMed 20095989.

NM_001289104.2(PRKCSH):c.1362-1G>A

Gene: PRKCSH (PRKCSH beta subunit of glucosidase II; plus strand). Cytogenetic location: 19p13.2.
Variant type: single nucleotide variant.
Coding change: c.1362-1G>A on transcript NM_001289104.2 (MANE Select); the canonical splice acceptor site of the intron before coding-DNA position 1362, G replaced by A.
Molecular consequence: splice acceptor variant.
Genome position (GRCh38, 1-based): chr19:11,449,075, G>A. VCF-style: chr19-11449075-G-A. GRCh37 (hg19) VCF-style: chr19-11559890-G-A.
Other names: c.1362-1G>A (NM_001289103.2); c.1332-1G>A (NM_001379609.1, NM_001001329.3, NM_001289102.2); c.1341-1G>A (NM_001379608.1, NM_002743.3).
Identifiers: ClinVar variation 4850742 (VCV004850742.1).